The following is an entry in ClinVar:

ClinVar aggregate classification (germline): Uncertain significance (1 of 4 stars; one submission).

Conditions:
Familial sleep-related hypermotor epilepsy. Also called: Autosomal Dominant Sleep-Related Hypermotor (Hyperkinetic) Epilepsy. Identifiers: Orphanet 98784, MedGen C3696898, MONDO:0000030.

Submission:

Labcorp Genetics (formerly Invitae), Labcorp
Classification: Uncertain significance. Last evaluated: 2024-02-01. Review status: criteria provided, single submitter. Criteria: Invitae Variant Classification Sherloc (09022015). Collection method: clinical testing. Allele origin: germline.
Comment: This sequence change creates a premature translational stop signal (p.Ser448Argfs*9) in the CHRNB2 gene. While this is not anticipated to result in nonsense mediated decay, it is expected to disrupt the last 55 amino acid(s) of the CHRNB2 protein. This variant is not present in population databases (gnomAD no frequency). This variant has not been reported in the literature in individuals affected with CHRNB2-related conditions. ClinVar contains an entry for this variant (Variation ID: 949280). Experimental studies and prediction algorithms are not available or were not evaluated, and the functional significance of this variant is currently unknown. Algorithms developed to predict the effect of sequence changes on RNA splicing suggest that this variant may disrupt the consensus splice site. In summary, the available evidence is currently insufficient to determine the role of this variant in disease. Therefore, it has been classified as a Variant of Uncertain Significance.

NM_000748.3(CHRNB2):c.1344_1347del (p.Ser448fs)

Gene: CHRNB2 (cholinergic receptor nicotinic beta 2 subunit; plus strand). Cytogenetic location: 1q21.3.
Variant type: Microsatellite.
Coding change: c.1344_1347del on transcript NM_000748.3 (MANE Select); coding-DNA positions 1344 to 1347, 4 bases deleted (TGAG; older notation c.1344_1347delTGAG).
Protein change: p.Ser448fs; shifts the reading frame from serine 448.
Molecular consequence: frameshift variant.
Genome position (GRCh38, 1-based): chr1:154,575,767-154,575,770, TGAG deleted; deleting any 4 consecutive bases within chr1:154,575,762-154,575,770 gives the same sequence; the c. name uses the placement nearest the transcript's 3' end. VCF-style (leftmost placement, unchanged base first): chr1-154575761-GGTGA-G. GRCh37 (hg19) VCF-style: chr1-154548237-GGTGA-G.
Other names: short protein forms S448fs.
Identifiers: ClinVar variation 949280 (VCV000949280.7), dbSNP rs1696260248, ClinGen allele CA2480927130.